The following is an entry in ClinVar:

NM_000494.4(COL17A1):c.3973G>A (p.Gly1325Ser)

Gene: COL17A1 (collagen type XVII alpha 1 chain; minus strand). Cytogenetic location: 10q25.1.
Variant type: single nucleotide variant.
Coding change: c.3973G>A on transcript NM_000494.4 (MANE Select); coding-DNA position 3973, G replaced by A.
Protein change: p.Gly1325Ser; replaces glycine 1325 with serine.
Molecular consequence: missense variant.
Genome position (GRCh38, 1-based): chr10:104,034,128, C>T on the plus strand (G>A on the coding strand, the complement: COL17A1 is on the minus strand). VCF-style: chr10-104034128-C-T. GRCh37 (hg19) VCF-style: chr10-105793886-C-T.
Other names: short protein forms G1325S.
Identifiers: ClinVar variation 3268570 (VCV003268570.2).

ClinVar aggregate classification (germline): Uncertain significance. Review status: criteria provided, multiple submitters, no conflicts (2 of 4 stars). 2 submissions from 2 submitters: Uncertain significance (2). Last evaluated 2025-12-22.

Conditions:
Inborn genetic diseases. Identifiers: MedGen C0950123, MeSH D030342.

gnomAD v4.1: 104 of 1,613,898 alleles (0.0064%); highest among the groups gnomAD compares: African/African-American, 0.023%; no homozygotes.

Submissions (2):

Labcorp Genetics (formerly Invitae), Labcorp
Classification: Uncertain significance. Last evaluated: 2025-12-22. Review status: criteria provided, single submitter. Criteria: Invitae Variant Classification Sherloc (09022015). Collection method: clinical testing. Allele origin: germline.
Comment: This sequence change replaces glycine, which is neutral and non-polar, with serine, which is neutral and polar, at codon 1325 of the COL17A1 protein (p.Gly1325Ser). This variant is present in population databases (rs767927119, gnomAD 0.03%). This variant has not been reported in the literature in individuals affected with COL17A1-related conditions. ClinVar contains an entry for this variant (Variation ID: 3268570). Experimental studies and prediction algorithms are not available or were not evaluated, and the functional significance of this variant is currently unknown. In summary, the available evidence is currently insufficient to determine the role of this variant in disease. Therefore, it has been classified as a Variant of Uncertain Significance.

Ambry Genetics
Classification: Uncertain significance for Inborn genetic diseases. Last evaluated: 2024-04-22. Review status: criteria provided, single submitter. Criteria: Ambry Variant Classification Scheme 2023. Collection method: clinical testing. Allele origin: germline.